The following is an entry in ClinVar:

NM_002528.7(NTHL1):c.694_695del (p.Thr232fs)

Gene: NTHL1 (nth like DNA glycosylase 1; minus strand). Cytogenetic location: 16p13.3.
Variant type: Microsatellite.
Coding change: c.694_695del on transcript NM_002528.7 (MANE Select); coding-DNA positions 694 to 695, 2 bases deleted (AC; older notation c.694_695delAC).
Protein change: p.Thr232fs; shifts the reading frame from threonine 232.
Molecular consequence: frameshift variant.
Genome position (GRCh38, 1-based): chr16:2,040,229-2,040,230, GT deleted on the plus strand (AC on the coding strand, the reverse complement: NTHL1 is on the minus strand); deleting any 2 consecutive bases within chr16:2,040,229-2,040,232 gives the same sequence; the c. name uses the placement nearest the transcript's 3' end. VCF-style (leftmost placement, unchanged base first): chr16-2040228-CGT-C. GRCh37 (hg19) VCF-style: chr16-2090229-CGT-C.
Other names: c.523_524del, p.Thr175fs (NM_001318193.2); c.364_365del, p.Thr122fs (NM_001318194.2); short protein forms T232fs, T122fs, T175fs.
Identifiers: ClinVar variation 2882556 (VCV002882556.4), dbSNP rs2548312102, ClinGen allele CA2739269878.
Genomic context (GRCh38, chr16:2,040,228, plus strand): 5'-CTCTGGGGACTTGGTTGCCTTCTTGGTCCACCTCAGCCTGTTGGCGATTCTGTGCACATG[CGT>C]GTCCACTGCTGCTGGGAGGCCAAGCGGGGTGAACAGGGGCACACTCCACCAGCCTAGCCC-3'

ClinVar aggregate classification (germline): Pathogenic. Review status: criteria provided, multiple submitters, no conflicts (2 of 4 stars). 2 submissions from 2 submitters: Pathogenic (2). Last evaluated 2025-09-17.

Conditions:
Familial adenomatous polyposis 3. Also called: NTHL1-Related Adenomatous Polyposis and Colorectal Cancer; NTHL1-related attenuated familial adenomatous polyposis; NTHL1-associated polyposis; NTHL1 Tumor Syndrome. Identifiers: Orphanet 220460, Orphanet 454840, MedGen C4225157, MONDO:0014630, OMIM 616415.

Submissions (2):

Myriad Genetics, Inc.
Classification: Pathogenic for Familial adenomatous polyposis 3. Last evaluated: 2025-09-17. Review status: criteria provided, single submitter. Criteria: Myriad Autosomal Dominant, Autosomal Recessive and X-Linked Classification Criteria (2023). Collection method: clinical testing. Allele origin: unknown.
Comment: This variant is considered pathogenic. This variant creates a frameshift predicted to result in premature protein truncation.

Labcorp Genetics (formerly Invitae), Labcorp
Classification: Pathogenic. Last evaluated: 2024-09-14. Review status: criteria provided, single submitter. Criteria: Invitae Variant Classification Sherloc (09022015). Collection method: clinical testing. Allele origin: germline.
Comment: This sequence change creates a premature translational stop signal (p.Thr240Alafs*32) in the NTHL1 gene. While this is not anticipated to result in nonsense mediated decay, it is expected to disrupt the last 73 amino acid(s) of the NTHL1 protein. This variant is not present in population databases (gnomAD no frequency). This variant has not been reported in the literature in individuals affected with NTHL1-related conditions. This variant disrupts a region of the NTHL1 protein in which other variant(s) (p.Gln287*) have been determined to be pathogenic (PMID: 27329137, 28912133, 30753826; internal data). This suggests that this is a clinically significant region of the protein, and that variants that disrupt it are likely to be disease-causing. For these reasons, this variant has been classified as Pathogenic.

Literature cited by the submitters: PubMed 27329137 (cited by Labcorp Genetics (formerly Invitae), Labcorp); PubMed 28912133 (cited by Labcorp Genetics (formerly Invitae), Labcorp); PubMed 30753826 (cited by Labcorp Genetics (formerly Invitae), Labcorp).